The following is an entry in ClinVar:

NM_001106.4(ACVR2B):c.333A>G (p.Glu111=)

Gene: ACVR2B (activin A receptor type 2B; plus strand). Cytogenetic location: 3p22.2.
Variant type: single nucleotide variant.
Coding change: c.333A>G on transcript NM_001106.4 (MANE Select); coding-DNA position 333, A replaced by G.
Protein change: p.Glu111=; no amino-acid change (glutamic acid 111 retained).
Molecular consequence: synonymous variant.
Genome position (GRCh38, 1-based): chr3:38,477,933, A>G. VCF-style: chr3-38477933-A-G. GRCh37 (hg19) VCF-style: chr3-38519424-A-G.
Identifiers: ClinVar variation 257468 (VCV000257468.28), dbSNP rs2070489, ClinGen allele CA2318769.

ClinVar aggregate classification (germline): Benign. Review status: criteria provided, multiple submitters, no conflicts (2 of 4 stars). 12 submissions from 12 submitters: Benign (9). 3 of the submissions do not count toward it. Last evaluated 2026-02-03.

Conditions:
Heterotaxy, visceral, 4, autosomal (HTX4). Identifiers: Orphanet 450, MedGen C3151057, MONDO:0013403, OMIM 613751.

Allele frequency attached by ClinVar (database versions not stated): 1000 Genomes Project 30x 0.47611; 1000 Genomes Project 0.48043; TOPMed 0.50986; gnomAD 0.51926 and 0.52253; ESP Exome Variant Server 0.52276; gnomAD exomes 0.56486 and 0.59684; ExAC 0.56830.
gnomAD v4.1: 950,251 of 1,613,688 alleles (59%); highest among the groups gnomAD compares: Non-Finnish European, 62%; 283,905 homozygotes.

Submissions (12):

Labcorp Genetics (formerly Invitae), Labcorp
Classification: Benign for Heterotaxy, visceral, 4, autosomal. Last evaluated: 2026-02-03. Review status: criteria provided, single submitter. Criteria: Invitae Variant Classification Sherloc (09022015). Collection method: clinical testing. Allele origin: germline.

Blueprint Genetics
Classification: Benign. Last evaluated: 2024-11-26. Review status: criteria provided, single submitter. Criteria: ACMG Guidelines, 2015. Collection method: clinical testing. Allele origin: germline.

Genome-Nilou Lab
Classification: Benign for Heterotaxy, visceral, 4, autosomal. Last evaluated: 2021-07-14. Review status: criteria provided, single submitter. Criteria: ACMG Guidelines, 2015. Collection method: clinical testing. Allele origin: germline. Affected: no.

Illumina Laboratory Services, Illumina
Classification: Benign for Heterotaxy, visceral, 4, autosomal. Last evaluated: 2018-01-12. Review status: criteria provided, single submitter. Criteria: ICSL Variant Classification Criteria 13 December 2019. Collection method: clinical testing. Allele origin: germline.
Comment: This variant was observed in the ICSL laboratory as part of a predisposition screen in an ostensibly healthy population. It had not been previously curated by ICSL or reported in the Human Gene Mutation Database (HGMD: prior to June 1st, 2018), and was therefore a candidate for classification through an automated scoring system. Utilizing variant allele frequency, disease prevalence and penetrance estimates, and inheritance mode, an automated score was calculated to assess if this variant is too frequent to cause the disease. Based on the score and internal cut-off values, a variant classified as benign is not then subjected to further curation. The score for this variant resulted in a classification of benign for this disease.

Laboratory for Molecular Medicine, Mass General Brigham Personalized Medicine
Classification: Benign. Last evaluated: 2016-03-28. Review status: criteria provided, single submitter. Criteria: LMM Criteria. Collection method: clinical testing. Allele origin: germline.
Comment: Variant identified in a genome or exome case(s) and assessed due to predicted null impact of the variant or pathogenic assertions in the literature or databases. Disclaimer: This variant has not undergone full assessment. The following are preliminary notes: Frequency

Clinical Genetics DNA and cytogenetics Diagnostics Lab, Erasmus MC, Erasmus Medical Center
Classification: Benign for Heterotaxy, visceral, 4, autosomal. Last evaluated: 2015-09-21. Review status: criteria provided, single submitter. Criteria: ACGS Guidelines, 2013. Collection method: clinical testing. Allele origin: germline. Affected: yes. Study: VKGL Data-share Consensus.

GeneDx
Classification: Benign. Last evaluated: 2015-03-03. Review status: criteria provided, single submitter. Criteria: GeneDx Variant Classification Process June 2021. Collection method: clinical testing. Allele origin: germline. Affected: yes.

Breakthrough Genomics
Classification: Benign. Review status: criteria provided, single submitter. Criteria: ACMG Guidelines, 2015. Collection method: not provided. Allele origin: germline. Inheritance: Unknown mechanism. Affected: yes.

PreventionGenetics, part of Exact Sciences
Classification: Benign. Review status: criteria provided, single submitter. Criteria: ACMG Guidelines, 2015. Collection method: clinical testing. Allele origin: germline.

Clinical Genetics, Academic Medical Center
Classification: Benign. Review status: no assertion criteria provided. Collection method: clinical testing. Allele origin: germline. Affected: yes. Study: VKGL Data-share Consensus. Not counted in ClinVar's aggregate classification.

Diagnostic Laboratory, Department of Genetics, University Medical Center Groningen
Classification: Benign for Heterotaxy, visceral, 4, autosomal. Review status: no assertion criteria provided. Collection method: clinical testing. Allele origin: germline. Affected: yes. Study: VKGL Data-share Consensus. Not counted in ClinVar's aggregate classification.

Joint Genome Diagnostic Labs from Nijmegen and Maastricht, Radboudumc and MUMC+
Classification: Benign. Review status: no assertion criteria provided. Collection method: clinical testing. Allele origin: germline. Affected: yes. Study: VKGL Data-share Consensus. Not counted in ClinVar's aggregate classification.